The following is an entry in ClinVar:

NM_000435.3(NOTCH3):c.996C>T (p.Arg332=)

Gene: NOTCH3 (notch receptor 3; minus strand). Cytogenetic location: 19p13.12.
Variant type: single nucleotide variant.
Coding change: c.996C>T on transcript NM_000435.3 (MANE Select); coding-DNA position 996, C replaced by T.
Protein change: p.Arg332=; no amino-acid change (arginine 332 retained).
Molecular consequence: synonymous variant.
Genome position (GRCh38, 1-based): chr19:15,191,464, G>A on the plus strand (C>T on the coding strand, the complement: NOTCH3 is on the minus strand). VCF-style: chr19-15191464-G-A. GRCh37 (hg19) VCF-style: chr19-15302275-G-A.
Identifiers: ClinVar variation 995060 (VCV000995060.10), dbSNP rs183500505, ClinGen allele CA9263741.
Genomic context (GRCh38, chr19:15,191,464, plus strand): 5'-CAGAGAAAACGGCCACTCACCAGTCTTGCCCATGGGGCAGGCACAGTAGAAAGAAGCCAC[G>A]CGGTCATGGCAGGTGGCCCCATGGAAGCACACGGCTGTGGCACAGTCATCGATATTCTGA-3'
Protein context (NP_000426.2, residues 322-342): VCFHGATCHD[Arg332=]VASFYCACPM

ClinVar aggregate classification (germline): Benign/Likely benign. Review status: criteria provided, multiple submitters, no conflicts (2 of 4 stars). 3 submissions from 3 submitters: Benign (2); Likely benign (1). Last evaluated 2026-04-20.

Conditions:
NOTCH3-related disorder. Also called: NOTCH3-related disorders; NOTCH3-related condition.

Allele frequency attached by ClinVar (database versions not stated): gnomAD exomes 0.00002 and 0.00006; ExAC 0.00006; gnomAD 0.00014 and 0.00016; 1000 Genomes Project 30x 0.00016; TOPMed 0.00018; 1000 Genomes Project 0.00020.
gnomAD v4.1: 51 of 1,613,492 alleles (0.0032%); highest among the groups gnomAD compares: African/African-American, 0.048%; no homozygotes.

Submissions (3):

PreventionGenetics, part of Exact Sciences
Classification: Likely benign for NOTCH3-related condition. Last evaluated: 2026-04-20. Review status: criteria provided, single submitter. Criteria: ACMG Guidelines, 2015. Collection method: clinical testing. Allele origin: germline.
Comment: This variant is classified as likely benign based on ACMG/AMP sequence variant interpretation guidelines (Richards et al. 2015 PMID: 25741868, with internal and published modifications).

Labcorp Genetics (formerly Invitae), Labcorp
Classification: Benign. Last evaluated: 2023-11-24. Review status: criteria provided, single submitter. Criteria: Invitae Variant Classification Sherloc (09022015). Collection method: clinical testing. Allele origin: germline.

Athena Diagnostics
Classification: Benign. Last evaluated: 2019-12-31. Review status: criteria provided, single submitter. Criteria: Athena Diagnostics Criteria. Collection method: clinical testing. Allele origin: unknown.